The following is an entry in ClinVar:

ClinVar aggregate classification (germline): Pathogenic. Review status: criteria provided, multiple submitters, no conflicts (2 of 4 stars). 2 submissions from 2 submitters: Pathogenic (2). Last evaluated 2023-12-01.

Conditions:
Hereditary pancreatitis (PCTT). Also called: Hereditary chronic pancreatitis; PRSS1-Related Hereditary Pancreatitis. Identifiers: Orphanet 676, MedGen C0238339, MONDO:0008185, OMIM 167800.
Cystic fibrosis (CF). Also called: MUCOVISCIDOSIS. Identifiers: Orphanet 586, MedGen C0010674, MONDO:0009061, OMIM 219700. Disease mechanism: loss of function.

Submissions (2):

Ambry Genetics
Classification: Pathogenic for Cystic fibrosis. Last evaluated: 2023-12-01. Review status: criteria provided, single submitter. Criteria: Ambry Variant Classification Scheme 2023. Collection method: clinical testing. Allele origin: germline.
Comment: The c.3639dupA pathogenic mutation, located in coding exon 22 of the CFTR gene, results from a duplication of A at nucleotide position 3639, causing a translational frameshift with a predicted alternate stop codon (p.D1214Rfs*51). This alteration is expected to result in loss of function by premature protein truncation or nonsense-mediated mRNA decay. As such, this alteration is interpreted as a disease-causing mutation.

Mendelics
Classification: Pathogenic for Hereditary pancreatitis. Last evaluated: 2022-05-04. Review status: criteria provided, single submitter. Criteria: Mendelics Assertion Criteria 2019. Collection method: clinical testing. Allele origin: germline.

NM_000492.4(CFTR):c.3639dup (p.Asp1214fs)

Genes: CFTR (CF transmembrane conductance regulator; plus strand), CFTR-AS2 (CFTR antisense RNA 2; minus strand). Cytogenetic location: 7q31.2.
Variant type: Duplication.
Coding change: c.3639dup on transcript NM_000492.4 (MANE Select); coding-DNA position 3639, one base duplicated (A; older notation c.3639dupA).
Protein change: p.Asp1214fs; shifts the reading frame from aspartic acid 1214.
Molecular consequence: frameshift variant.
Genome position (GRCh38, 1-based): chr7:117,627,692, A duplicated; the last of 3 consecutive A bases (chr7:117,627,690-117,627,692); duplicating any one gives the same sequence. VCF-style (leftmost placement, unchanged base first): chr7-117627689-C-CA. GRCh37 (hg19) VCF-style: chr7-117267743-C-CA.
Other names: c.3639dupA (NM_000492.3); short protein forms D1214fs.
Identifiers: ClinVar variation 1685623 (VCV001685623.2), dbSNP rs2116129829, ClinGen allele CA2573141568.